The following is an entry in ClinVar:

ClinVar aggregate classification (germline): Uncertain significance (1 of 4 stars; one submission).

gnomAD v4.1: 1 of 1,510,242 alleles (0.000066%); highest among the groups gnomAD compares: Non-Finnish European, 0.000089%; no homozygotes.

Submission:

Dasa
Classification: Uncertain significance. Last evaluated: 2024-12-26. Review status: criteria provided, single submitter. Criteria: DASA Assertion Criteria. Collection method: clinical testing. Allele origin: germline.
Comment: NM_001353345.2(SETD1B):c.167G>A (p.Ser56Asn) is a missense variant that results in the substitution of serine with asparagine. This variant is rare in population databases. Computational prediction algorithms are consistent with a benign effect. The currently available literature and clinical evidence are not sufficient to establish a definitive association between this variant and the reported condition. Therefore, this variant is classified as a variant of uncertain significance.

NM_001353345.2(SETD1B):c.167G>A (p.Ser56Asn)

Gene: SETD1B (SET domain containing 1B, histone lysine methyltransferase; plus strand). Cytogenetic location: 12q24.31.
Variant type: single nucleotide variant.
Coding change: c.167G>A on transcript NM_001353345.2 (MANE Select); coding-DNA position 167, G replaced by A.
Protein change: p.Ser56Asn; replaces serine 56 with asparagine.
Molecular consequence: missense variant.
Genome position (GRCh38, 1-based): chr12:121,804,904, G>A. VCF-style: chr12-121804904-G-A. GRCh37 (hg19) VCF-style: chr12-122242810-G-A.
Other names: short protein forms S56N.
Identifiers: ClinVar variation 4885762 (VCV004885762.2).